The following is an entry in ClinVar:

NM_002473.6(MYH9):c.5793_5797dup (p.Arg1933fs)

Gene: MYH9 (myosin heavy chain 9; minus strand). Cytogenetic location: 22q12.3.
Variant type: Duplication.
Coding change: c.5793_5797dup on transcript NM_002473.6 (MANE Select); coding-DNA positions 5793 to 5797, 5 bases duplicated (CCGCC; older notation c.5793_5797dupCCGCC).
Protein change: p.Arg1933fs; shifts the reading frame from arginine 1933.
Molecular consequence: frameshift variant.
Genome position (GRCh38, 1-based): chr22:36,282,754-36,282,758, GGCGG duplicated on the plus strand (CCGCC on the coding strand, the reverse complement: MYH9 is on the minus strand); duplicating any 5 consecutive bases within chr22:36,282,754-36,282,761 gives the same sequence; the c. name uses the placement nearest the transcript's 3' end. VCF-style (leftmost placement, unchanged base first): chr22-36282753-C-CGGCGG. GRCh37 (hg19) VCF-style: chr22-36678799-C-CGGCGG.
Other names: c.5793_5797dup5 (NM_002473.5); short protein forms R1933fs.
Identifiers: ClinVar variation 2631747 (VCV002631747.1), dbSNP rs2517943425, ClinGen allele CA2695200109.

ClinVar aggregate classification (germline): Likely pathogenic (1 of 4 stars; one submission).

Conditions:
MYH9-related disorder. Identifiers: MedGen C1854520.

Submission:

PreventionGenetics, part of Exact Sciences
Classification: Likely pathogenic for MYH9-related condition. Last evaluated: 2023-08-08. Review status: criteria provided, single submitter. Criteria: ACMG Guidelines, 2015. Collection method: clinical testing. Allele origin: germline.
Comment: The MYH9 c.5793_5797dup5 variant is predicted to result in a frameshift and premature protein termination (p.Arg1933Profs*17). To our knowledge, this variant has not been reported in the literature or in a large population database, indicating this variant is rare. Frameshift variants in MYH9 are expected to be pathogenic. This variant is interpreted as likely pathogenic.